The following is an entry in ClinVar:

NM_005826.5(HNRNPR):c.226G>T (p.Ala76Ser)

Gene: HNRNPR (heterogeneous nuclear ribonucleoprotein R; minus strand). Cytogenetic location: 1p36.12.
Variant type: single nucleotide variant.
Coding change: c.226G>T on transcript NM_005826.5 (MANE Select); coding-DNA position 226, G replaced by T.
Protein change: p.Ala76Ser; replaces alanine 76 with serine.
Molecular consequence: missense variant. On other transcripts: 5 prime UTR variant (4).
Genome position (GRCh38, 1-based): chr1:23,338,540, C>A on the plus strand (G>T on the coding strand, the complement: HNRNPR is on the minus strand). VCF-style: chr1-23338540-C-A. GRCh37 (hg19) VCF-style: chr1-23665033-C-A.
Other names: c.-78G>T (NM_001102397.3, NM_001102399.3, NM_001297621.2 and 1 more transcripts); c.226G>T, p.Ala76Ser (NM_001102398.3, NM_001297620.2); short protein forms A76S.
Identifiers: ClinVar variation 2574318 (VCV002574318.2), dbSNP rs991618838, ClinGen allele CA19218169.

ClinVar aggregate classification (germline): Uncertain significance (1 of 4 stars; one submission).

Allele frequency attached by ClinVar (database versions not stated): gnomAD exomes below 0.00001; TOPMed below 0.00001.
gnomAD v4.1: 2 of 1,599,570 alleles (0.00013%); highest among the groups gnomAD compares: Non-Finnish European, 0.00017%; no homozygotes.

Submission:

GeneDx
Classification: Uncertain significance. Last evaluated: 2024-02-02. Review status: criteria provided, single submitter. Criteria: GeneDx Variant Classification Process June 2021. Collection method: clinical testing. Allele origin: germline. Affected: yes.
Comment: Not observed at significant frequency in large population cohorts (gnomAD); In silico analysis supports that this missense variant does not alter protein structure/function; Has not been previously published as pathogenic or benign to our knowledge